The following is an entry in ClinVar:

ClinVar aggregate classification (germline): Likely pathogenic (1 of 4 stars; one submission).

Conditions:
Neuronal ceroid lipofuscinosis 2. Also called: TPP1-Related Neuronal Ceroid-Lipofuscinosis; JANSKY-BIELSCHOWSKY DISEASE NEURONAL CEROID LIPOFUSCINOSIS, LATE INFANTILE. Identifiers: Orphanet 168491, Orphanet 228349, Orphanet 79264, MedGen C1876161, MONDO:0008769, OMIM 204500.

Submission:

Myriad Genetics, Inc.
Classification: Likely pathogenic for Neuronal ceroid lipofuscinosis 2. Last evaluated: 2022-05-18. Review status: criteria provided, single submitter. Criteria: Myriad Women's Health Autosomal Recessive and X-Linked Classification Criteria (2021). Collection method: clinical testing. Allele origin: unknown.
Comment: NM_000391.3(TPP1):c.238dupC(L80Pfs*8) is expected to be pathogenic in the context of TPP1-related neuronal ceroid lipofuscinosis. This variant is predicted to lead to an abnormal or absent protein product due to the creation of a premature termination codon in TPP1, a gene where loss-of-function variants are known to be pathogenic. Please note: this variant was assessed in the context of healthy population screening.

NM_000391.4(TPP1):c.238dup (p.Leu80fs)

Gene: TPP1 (tripeptidyl peptidase 1; minus strand). Cytogenetic location: 11p15.4.
Variant type: Duplication.
Coding change: c.238dup on transcript NM_000391.4 (MANE Select); coding-DNA position 238, one base duplicated (C; older notation c.238dupC).
Protein change: p.Leu80fs; shifts the reading frame from leucine 80.
Molecular consequence: frameshift variant.
Genome position (GRCh38, 1-based): chr11:6,617,768, G duplicated on the plus strand (C on the coding strand, the reverse complement: TPP1 is on the minus strand); the first of 2 consecutive G bases (chr11:6,617,768-6,617,769); duplicating either gives the same sequence. VCF-style (leftmost placement, unchanged base first): chr11-6617767-A-AG. GRCh37 (hg19) VCF-style: chr11-6638998-A-AG.
Other names: short protein forms L80fs.
Identifiers: ClinVar variation 1726106 (VCV001726106.2), dbSNP rs2493800542, ClinGen allele CA2580083975.